The following is an entry in ClinVar:

NM_198253.3(TERT):c.1290G>T (p.Lys430Asn)

Gene: TERT (telomerase reverse transcriptase; minus strand). Cytogenetic location: 5p15.33.
Variant type: single nucleotide variant.
Coding change: c.1290G>T on transcript NM_198253.3 (MANE Select); coding-DNA position 1290, G replaced by T.
Protein change: p.Lys430Asn; replaces lysine 430 with asparagine.
Molecular consequence: missense variant. On other transcripts: non-coding transcript variant (2).
Genome position (GRCh38, 1-based): chr5:1,293,596, C>A on the plus strand (G>T on the coding strand, the complement: TERT is on the minus strand). VCF-style: chr5-1293596-C-A. GRCh37 (hg19) VCF-style: chr5-1293711-C-A.
Other names: c.1290G>T, p.Lys430Asn (NM_001193376.3, NM_003219.1); short protein forms K430N.
Identifiers: ClinVar variation 2928223 (VCV002928223.4), dbSNP rs2478412007, ClinGen allele CA359086355.

ClinVar aggregate classification (germline): Uncertain significance. Review status: criteria provided, multiple submitters, no conflicts (2 of 4 stars). 2 submissions from 2 submitters: Uncertain significance (2). Last evaluated 2025-04-14.

Conditions:
Dyskeratosis congenita, autosomal dominant 2. Identifiers: MedGen C3151443, MONDO:0013521, OMIM 613989.
Idiopathic Pulmonary Fibrosis. Also called: Idiopathic fibrosing alveolitis, chronic form; idiopathic fibrosing alveolitis. Identifiers: Orphanet 2032, MedGen C1800706, MeSH D054990, MONDO:0800504.
Dyskeratosis congenita. Identifiers: Orphanet 1775, MedGen C0265965, MONDO:0015780.

Submissions (2):

Ambry Genetics
Classification: Uncertain significance for Dyskeratosis congenita. Last evaluated: 2025-04-14. Review status: criteria provided, single submitter. Criteria: Ambry Variant Classification Scheme 2023. Collection method: clinical testing. Allele origin: germline.
Comment: The p.K430N variant (also known as c.1290G>T), located in coding exon 2 of the TERT gene, results from a G to T substitution at nucleotide position 1290. The lysine at codon 430 is replaced by asparagine, an amino acid with similar properties. This amino acid position is conserved. In addition, this alteration is predicted to be tolerated by in silico analysis. Based on the available evidence, the clinical significance of this variant remains unclear.

Labcorp Genetics (formerly Invitae), Labcorp
Classification: Uncertain significance for Dyskeratosis congenita, autosomal dominant 2; Idiopathic Pulmonary Fibrosis. Last evaluated: 2022-12-12. Review status: criteria provided, single submitter. Criteria: Invitae Variant Classification Sherloc (09022015). Collection method: clinical testing. Allele origin: germline.
Comment: This sequence change replaces lysine, which is basic and polar, with asparagine, which is neutral and polar, at codon 430 of the TERT protein (p.Lys430Asn). This variant is not present in population databases (gnomAD no frequency). This variant has not been reported in the literature in individuals affected with TERT-related conditions. Advanced modeling of protein sequence and biophysical properties (such as structural, functional, and spatial information, amino acid conservation, physicochemical variation, residue mobility, and thermodynamic stability) performed at Invitae indicates that this missense variant is not expected to disrupt TERT protein function. In summary, the available evidence is currently insufficient to determine the role of this variant in disease. Therefore, it has been classified as a Variant of Uncertain Significance.